The following is an entry in ClinVar:

NM_000257.4(MYH7):c.3690C>T (p.Asp1230=)

Gene: MYH7 (myosin heavy chain 7; minus strand). Cytogenetic location: 14q11.2.
Variant type: single nucleotide variant.
Coding change: c.3690C>T on transcript NM_000257.4 (MANE Select); coding-DNA position 3690, C replaced by T.
Protein change: p.Asp1230=; no amino-acid change (aspartic acid 1230 retained).
Molecular consequence: synonymous variant.
Genome position (GRCh38, 1-based): chr14:23,419,881, G>A on the plus strand (C>T on the coding strand, the complement: MYH7 is on the minus strand). VCF-style: chr14-23419881-G-A. GRCh37 (hg19) VCF-style: chr14-23889090-G-A.
Other names: c.3690C>T (LRG_384t1).
Identifiers: ClinVar variation 516357 (VCV000516357.29), dbSNP rs370750044, ClinGen allele CA038287.
Genomic context (GRCh38, chr14:23,419,881, plus strand): 5'-GAGGGGAGGCCGAGCAGAGCCTGCCTTGGCCTTGATGATCTGCTCCATGTTGGAGGTGAC[G>A]TCATCCAGCTCCAGCTTGAACTCGCTCTTCTCCTTCTCCAGCTTCTGCTTCACCCGCTGC-3'
Protein context (NP_000248.2, residues 1220-1240): EKSEFKLELD[Asp1230=]VTSNMEQIIK

ClinVar aggregate classification (germline): Conflicting classifications of pathogenicity. Review status: criteria provided, conflicting classifications (1 of 4 stars). 14 submissions from 12 submitters: Uncertain significance (2); Benign (5); Likely benign (4). 3 of the submissions do not count toward it. Last evaluated 2025-11-10.

Conditions:
Hypertrophic cardiomyopathy 1 (CMH1). Also called: Familial hypertrophic cardiomyopathy 1; MYH7-Related Familial Hypertrophic Cardiomyopathy. Identifiers: MedGen C3495498, MONDO:0008647, OMIM 192600.
MYH7-related skeletal myopathy. Also called: Myopathy, distal, 1; MYOPATHY, DISTAL, EARLY-ONSET, AUTOSOMAL DOMINANT; MYOPATHY, LATE DISTAL HEREDITARY; Laing distal myopathy; Laing early-onset distal myopathy. Identifiers: Orphanet 59135, MedGen C4552004, MONDO:0008050, OMIM 160500.
Hypertrophic cardiomyopathy. Also called: HYPERTROPHIC MYOCARDIOPATHY. Identifiers: Orphanet 217569, MedGen C0007194, MeSH D002312, MONDO:0005045, HP:0001639.
Cardiovascular phenotype. Identifiers: MedGen CN230736.
Cardiomyopathy (CMYO). Also called: Cardiomyopathies. Identifiers: Orphanet 167848, MedGen C0878544, MONDO:0004994, HP:0001638. Inheritance: Various modes of inheritance.
Myosin storage myopathy (CMYO7A). Also called: MYOPATHY WITH LYSIS OF TYPE I MYOFIBRILS; Scapuloperoneal myopathy, MYH7-related; SCAPULOPERONEAL MUSCULAR DYSTROPHY; SCAPULOPERONEAL SYNDROME, MYOPATHIC TYPE; MYH7-related late-onset scapuloperoneal muscular dystrophy; Congenital myopathy 7A, myosin storage, autosomal dominant. Identifiers: Orphanet 437572, Orphanet 636965, MedGen C1842160, MONDO:0008409, OMIM 608358.

Allele frequency attached by ClinVar (database versions not stated): TOPMed 0.00008; ESP Exome Variant Server 0.00015; gnomAD 0.00034 and 0.00038; gnomAD exomes 0.00060; ExAC 0.00063.
gnomAD v4.1: 456 of 1,613,584 alleles (0.028%); highest among the groups gnomAD compares: Non-Finnish European, 0.0086%; 3 homozygotes.

Submissions (14):

Labcorp Genetics (formerly Invitae), Labcorp
Classification: Benign for Hypertrophic cardiomyopathy. Last evaluated: 2025-11-10. Review status: criteria provided, single submitter. Criteria: Invitae Variant Classification Sherloc (09022015). Collection method: clinical testing. Allele origin: germline.

Women's Health and Genetics/Laboratory Corporation of America, LabCorp
Classification: Likely benign. Last evaluated: 2025-09-02. Review status: criteria provided, single submitter. Criteria: LabCorp Variant Classification Summary - May 2015. Collection method: clinical testing. Allele origin: germline.

Molecular Diagnostic Laboratory for Inherited Cardiovascular Disease, Montreal Heart Institute
Classification: Likely benign. Last evaluated: 2025-04-09. Review status: criteria provided, single submitter. Criteria: ACMG Guidelines, 2015. Collection method: clinical testing. Allele origin: germline. Affected: no.

Blueprint Genetics
Classification: Likely benign. Last evaluated: 2024-10-18. Review status: criteria provided, single submitter. Criteria: ACMG Guidelines, 2015. Collection method: clinical testing. Allele origin: germline.

All of Us Research Program, National Institutes of Health
Classification: Benign for Cardiomyopathy. Last evaluated: 2023-12-01. Review status: criteria provided, single submitter. Criteria: ACMG Guidelines, 2015. Collection method: clinical testing. Allele origin: germline. Inheritance: Autosomal dominant inheritance. Observed: 16 variant alleles, 16 heterozygotes.
Comment: This study involves interpretation of variants in research participants for the purpose of population health screening. Participant phenotype was not available at the time of variant classification. Additional details can be found in publication PMID: 35346344, PMCID: PMC8962531

Ambry Genetics
Classification: Benign for Cardiovascular phenotype. Last evaluated: 2023-06-04. Review status: criteria provided, single submitter. Criteria: Ambry Variant Classification Scheme 2023. Collection method: clinical testing. Allele origin: germline.

Color Diagnostics, LLC DBA Color Health
Classification: Benign for Cardiomyopathy. Last evaluated: 2018-12-21. Review status: criteria provided, single submitter. Criteria: ACMG Guidelines, 2015. Collection method: clinical testing. Allele origin: germline.

Illumina Laboratory Services, Illumina
Classification: Benign for MYH7-related skeletal myopathy. Last evaluated: 2018-01-13. Review status: criteria provided, single submitter. Criteria: ICSL Variant Classification Criteria 13 December 2019. Collection method: clinical testing. Allele origin: germline.
Comment: This variant was observed in the ICSL laboratory as part of a predisposition screen in an ostensibly healthy population. It had not been previously curated by ICSL or reported in the Human Gene Mutation Database (HGMD: prior to June 1st, 2018), and was therefore a candidate for classification through an automated scoring system. Utilizing variant allele frequency, disease prevalence and penetrance estimates, and inheritance mode, an automated score was calculated to assess if this variant is too frequent to cause the disease. Based on the score and internal cut-off values, a variant classified as benign is not then subjected to further curation. The score for this variant resulted in a classification of benign for this disease.

Illumina Laboratory Services, Illumina
Classification: Uncertain significance for Myosin storage myopathy. Last evaluated: 2018-01-13. Review status: criteria provided, single submitter. Criteria: ICSL Variant Classification Criteria 13 December 2019. Collection method: clinical testing. Allele origin: germline.

Illumina Laboratory Services, Illumina
Classification: Uncertain significance for Hypertrophic cardiomyopathy 1. Last evaluated: 2018-01-13. Review status: criteria provided, single submitter. Criteria: ICSL Variant Classification Criteria 13 December 2019. Collection method: clinical testing. Allele origin: germline.

GeneDx
Classification: Likely benign. Last evaluated: 2018-01-03. Review status: criteria provided, single submitter. Criteria: GeneDx Variant Classification (06012015). Collection method: clinical testing. Allele origin: germline. Affected: yes.
Comment: This variant is considered likely benign or benign based on one or more of the following criteria: it is a conservative change, it occurs at a poorly conserved position in the protein, it is predicted to be benign by multiple in silico algorithms, and/or has population frequency not consistent with disease.

Clinical Genetics, Academic Medical Center
Classification: Benign. Review status: no assertion criteria provided. Collection method: clinical testing. Allele origin: germline. Affected: yes. Study: VKGL Data-share Consensus. Not counted in ClinVar's aggregate classification.

Diagnostic Laboratory, Department of Genetics, University Medical Center Groningen
Classification: Likely benign. Review status: no assertion criteria provided. Collection method: clinical testing. Allele origin: germline. Affected: yes. Study: VKGL Data-share Consensus. Not counted in ClinVar's aggregate classification.

Joint Genome Diagnostic Labs from Nijmegen and Maastricht, Radboudumc and MUMC+
Classification: Likely benign. Review status: no assertion criteria provided. Collection method: clinical testing. Allele origin: germline. Affected: yes. Study: VKGL Data-share Consensus. Not counted in ClinVar's aggregate classification.